The following is an entry in ClinVar:

ClinVar aggregate classification (germline): Uncertain significance. Review status: criteria provided, multiple submitters, no conflicts (2 of 4 stars). 2 submissions from 2 submitters: Uncertain significance (2). Last evaluated 2025-10-20.

Conditions:
Baller-Gerold syndrome (BGS). Also called: CRANIOSYNOSTOSIS WITH RADIAL DEFECTS. Identifiers: Orphanet 1225, MedGen C0265308, MONDO:0009039, OMIM 218600.
Inborn genetic diseases. Identifiers: MedGen C0950123, MeSH D030342.

gnomAD v4.1: 15 of 1,605,716 alleles (0.00093%); highest among the groups gnomAD compares: East Asian, 0.029%; no homozygotes.

Submissions (2):

Labcorp Genetics (formerly Invitae), Labcorp
Classification: Uncertain significance for Baller-Gerold syndrome. Last evaluated: 2025-10-20. Review status: criteria provided, single submitter. Criteria: Invitae Variant Classification Sherloc (09022015). Collection method: clinical testing. Allele origin: germline.
Comment: This sequence change replaces glycine, which is neutral and non-polar, with glutamic acid, which is acidic and polar, at codon 777 of the RECQL4 protein (p.Gly777Glu). This variant is present in population databases (rs768986171, gnomAD 0.006%). This variant has not been reported in the literature in individuals affected with RECQL4-related conditions. ClinVar contains an entry for this variant (Variation ID: 857915). Invitae Evidence Modeling of protein sequence and biophysical properties (such as structural, functional, and spatial information, amino acid conservation, physicochemical variation, residue mobility, and thermodynamic stability) indicates that this missense variant is expected to disrupt RECQL4 protein function with a positive predictive value of 80%. In summary, the available evidence is currently insufficient to determine the role of this variant in disease. Therefore, it has been classified as a Variant of Uncertain Significance.

Ambry Genetics
Classification: Uncertain significance for Inborn genetic diseases. Last evaluated: 2025-03-03. Review status: criteria provided, single submitter. Criteria: Ambry Variant Classification Scheme 2023. Collection method: clinical testing. Allele origin: germline.
Comment: The p.G777E variant (also known as c.2330G>A), located in coding exon 14 of the RECQL4 gene, results from a G to A substitution at nucleotide position 2330. The glycine at codon 777 is replaced by glutamic acid, an amino acid with similar properties. This amino acid position is conserved. In addition, this alteration is predicted to be deleterious by in silico analysis. Based on the available evidence, the clinical significance of this variant remains unclear.

NM_004260.4(RECQL4):c.2330G>A (p.Gly777Glu)

Gene: RECQL4 (RecQ like helicase 4; minus strand). Cytogenetic location: 8q24.3.
Variant type: single nucleotide variant.
Coding change: c.2330G>A on transcript NM_004260.4 (MANE Select); coding-DNA position 2330, G replaced by A.
Protein change: p.Gly777Glu; replaces glycine 777 with glutamic acid.
Molecular consequence: missense variant.
Genome position (GRCh38, 1-based): chr8:144,513,351, C>T on the plus strand (G>A on the coding strand, the complement: RECQL4 is on the minus strand). VCF-style: chr8-144513351-C-T. GRCh37 (hg19) VCF-style: chr8-145738734-C-T.
Other names: short protein forms G777E.
Identifiers: ClinVar variation 857915 (VCV000857915.7), dbSNP rs768986171, ClinGen allele CA4948333.